The following is an entry in ClinVar:

ClinVar aggregate classification (germline): Uncertain significance (1 of 4 stars; one submission).

Conditions:
Cardiovascular phenotype. Identifiers: MedGen CN230736.

Submission:

Ambry Genetics
Classification: Uncertain significance for Cardiovascular phenotype. Last evaluated: 2024-03-21. Review status: criteria provided, single submitter. Criteria: Ambry Variant Classification Scheme 2023. Collection method: clinical testing. Allele origin: germline.
Comment: The p.L757Q variant (also known as c.2270T>A), located in coding exon 1 of the ZNF469 gene, results from a T to A substitution at nucleotide position 2270. The leucine at codon 757 is replaced by glutamine, an amino acid with dissimilar properties. This amino acid position is conserved. In addition, this alteration is predicted to be tolerated by in silico analysis. Based on the available evidence, the clinical significance of this alteration remains unclear.

NM_001367624.2(ZNF469):c.2270T>A (p.Leu757Gln)

Gene: ZNF469 (zinc finger protein 469; plus strand). Cytogenetic location: 16q24.2.
Variant type: single nucleotide variant.
Coding change: c.2270T>A on transcript NM_001367624.2 (MANE Select); coding-DNA position 2270, T replaced by A.
Protein change: p.Leu757Gln; replaces leucine 757 with glutamine.
Molecular consequence: missense variant.
Genome position (GRCh38, 1-based): chr16:88,429,740, T>A. VCF-style: chr16-88429740-T-A. GRCh37 (hg19) VCF-style: chr16-88496148-T-A.
Other names: NM_001127464.1:c.2270T>A; short protein forms L757Q.
Identifiers: ClinVar variation 3258212 (VCV003258212.1).